The following is an entry in ClinVar:

ClinVar aggregate classification (germline): Conflicting classifications of pathogenicity. Review status: criteria provided, conflicting classifications (1 of 4 stars). 5 submissions from 5 submitters: Uncertain significance (4); Benign (1). Last evaluated 2026-01-30.

Conditions:
Tuberous sclerosis 2 (TSC2). Identifiers: Orphanet 805, MedGen C1860707, MONDO:0013199, OMIM 613254.
Hereditary cancer-predisposing syndrome. Also called: Hereditary neoplastic syndrome; Tumor predisposition; Neoplastic Syndromes, Hereditary; Hereditary Cancer Syndrome. Identifiers: Orphanet 140162, MedGen C0027672, MeSH D009386, MONDO:0015356.
Tuberous sclerosis syndrome (TSC). Also called: Tuberous Sclerosis Complex; Tuberous sclerosis. Identifiers: Orphanet 805, MedGen C0041341, MONDO:0001734.

Allele frequency attached by ClinVar (database versions not stated): gnomAD 0.00001; gnomAD exomes 0.00001; TOPMed 0.00001.
gnomAD v4.1: 23 of 1,611,328 alleles (0.0014%); highest among the groups gnomAD compares: Non-Finnish European, 0.0018%; no homozygotes.

Submissions (5):

Labcorp Genetics (formerly Invitae), Labcorp
Classification: Benign for Tuberous sclerosis 2. Last evaluated: 2026-01-30. Review status: criteria provided, single submitter. Criteria: Invitae Variant Classification Sherloc (09022015). Collection method: clinical testing. Allele origin: germline.

Color Diagnostics, LLC DBA Color Health
Classification: Uncertain significance for Tuberous sclerosis syndrome. Last evaluated: 2025-07-25. Review status: criteria provided, single submitter. Criteria: ACMG Guidelines, 2015. Collection method: clinical testing. Allele origin: germline.
Comment: This missense variant replaces alanine with proline at codon 1110 of the TSC2 protein. Computational prediction is inconclusive regarding the impact of this variant on protein structure and function. To our knowledge, functional studies have not been reported for this variant. This variant has not been reported in individuals affected with TSC2-related disorders in the literature. This variant has not been identified in the general population by the Genome Aggregation Database (gnomAD). The available evidence is insufficient to determine the role of this variant in disease conclusively. Therefore, this variant is classified as a Variant of Uncertain Significance.

Ambry Genetics
Classification: Uncertain significance for Hereditary cancer-predisposing syndrome. Last evaluated: 2024-09-17. Review status: criteria provided, single submitter. Criteria: Ambry Variant Classification Scheme 2023. Collection method: clinical testing. Allele origin: germline.
Comment: The p.A1110P variant (also known as c.3328G>C), located in coding exon 28 of the TSC2 gene, results from a G to C substitution at nucleotide position 3328. The alanine at codon 1110 is replaced by proline, an amino acid with highly similar properties. This amino acid position is well conserved in available vertebrate species. In addition, this alteration is predicted to be deleterious by in silico analysis. Based on the available evidence, the clinical significance of this variant remains unclear.

All of Us Research Program, National Institutes of Health
Classification: Uncertain significance for Tuberous sclerosis syndrome. Last evaluated: 2024-03-28. Review status: criteria provided, single submitter. Criteria: ACMG Guidelines, 2015. Collection method: clinical testing. Allele origin: germline. Inheritance: Autosomal dominant inheritance. Observed: 4 variant alleles, 4 heterozygotes.
Comment: This missense variant replaces alanine with proline at codon 1110 of the TSC2 protein. Computational prediction is inconclusive regarding the impact of this variant on protein structure and function (internally defined REVEL score threshold 0.5 < inconclusive < 0.7, PMID: 27666373). To our knowledge, functional studies have not been reported for this variant. This variant has not been reported in individuals affected with TSC2-related disorders in the literature. This variant has not been identified in the general population by the Genome Aggregation Database (gnomAD). The available evidence is insufficient to determine the role of this variant in disease conclusively. Therefore, this variant is classified as a Variant of Uncertain Significance.

This study involves interpretation of variants in research participants for the purpose of population health screening. Participant phenotype was not available at the time of variant classification. Additional details can be found in publication PMID: 35346344, PMCID: PMC8962531

GeneDx
Classification: Uncertain significance. Last evaluated: 2022-12-29. Review status: criteria provided, single submitter. Criteria: GeneDx Variant Classification Process June 2021. Collection method: clinical testing. Allele origin: germline. Affected: yes.
Comment: Not observed at significant frequency in large population cohorts (gnomAD); In silico analysis supports that this missense variant does not alter protein structure/function; Has not been previously published as pathogenic or benign to our knowledge

NM_000548.5(TSC2):c.3328G>C (p.Ala1110Pro)

Gene: TSC2 (TSC complex subunit 2; plus strand). Cytogenetic location: 16p13.3.
Variant type: single nucleotide variant.
Coding change: c.3328G>C on transcript NM_000548.5 (MANE Select); coding-DNA position 3328, G replaced by C.
Protein change: p.Ala1110Pro; replaces alanine 1110 with proline.
Molecular consequence: missense variant.
Genome position (GRCh38, 1-based): chr16:2,079,600, G>C. VCF-style: chr16-2079600-G-C. GRCh37 (hg19) VCF-style: chr16-2129601-G-C.
Other names: c.3196G>C, p.Ala1066Pro (NM_001077183.3, NM_001370404.1); c.3328G>C, p.Ala1110Pro (NM_001114382.3); c.3088G>C, p.Ala1030Pro (NM_001318827.2); c.3052G>C, p.Ala1018Pro (NM_001318829.2); c.2596G>C, p.Ala866Pro (NM_001318831.2); c.3229G>C, p.Ala1077Pro (NM_001318832.2); c.3199G>C, p.Ala1067Pro (NM_001363528.2, NM_001370405.1, NM_021055.3); short protein forms A1018P, A1110P, A866P, A1066P, A1030P, A1067P, A1077P.
Identifiers: ClinVar variation 959189 (VCV000959189.14), dbSNP rs1260370117, ClinGen allele CA394286599.
Genomic context (GRCh38, chr16:2,079,600, plus strand): 5'-TGGGATTCTCTTCTCAGCTCCAGCCCCGGGGTGCATGTGAGACAGACCAAGGAGGCGCCG[G>C]CCAAGCTGGAGTCCCAGGCTGGGCAGCAGGTGTCCCGTGGGGCCCGGGATCGGGTCCGTT-3'
Protein context (NP_000539.2, residues 1100-1120): VHVRQTKEAP[Ala1110Pro]KLESQAGQQV